The following is an entry in ClinVar:

NM_002936.6(RNASEH1):c.469C>T (p.Arg157Ter)

Gene: RNASEH1 (ribonuclease H1; minus strand). Cytogenetic location: 2p25.3.
Variant type: single nucleotide variant.
Coding change: c.469C>T on transcript NM_002936.6 (MANE Select); coding-DNA position 469, C replaced by T.
Protein change: p.Arg157Ter; replaces arginine 157 with a stop codon.
Molecular consequence: nonsense. On other transcripts: non-coding transcript variant (7).
Genome position (GRCh38, 1-based): chr2:3,550,413, G>A on the plus strand (C>T on the coding strand, the complement: RNASEH1 is on the minus strand). VCF-style: chr2-3550413-G-A. GRCh37 (hg19) VCF-style: chr2-3598003-G-A.
Other names: c.391C>T, p.Arg131Ter (NM_001286834.3); c.118C>T, p.Arg40Ter (NM_001286837.3); c.469C>T, p.Arg157Ter (NM_001378271.1, NM_001378273.1); c.466C>T, p.Arg156Ter (NM_001378272.1); short protein forms R157*, R40*, R131*, R156*.
Identifiers: ClinVar variation 372198 (VCV000372198.6), dbSNP rs373442996, ClinGen allele CA1516256.

ClinVar aggregate classification (germline): Likely pathogenic. Review status: criteria provided, single submitter (1 of 4 stars). 2 submissions from 2 submitters: Likely pathogenic (1). 1 of the submissions does not count toward it. Last evaluated 2022-06-07.

Conditions:
Progressive external ophthalmoplegia with mitochondrial DNA deletions, autosomal recessive 2 (PEOB2). Also called: PROGRESSIVE EXTERNAL OPHTHALMOPLEGIA, AUTOSOMAL RECESSIVE 2. Identifiers: Orphanet 329336, MedGen C4225312, MONDO:0014656, OMIM 616479.

Allele frequency attached by ClinVar (database versions not stated): gnomAD exomes below 0.00001; ExAC 0.00001; gnomAD 0.00001; TOPMed 0.00001; ESP Exome Variant Server 0.00008.

Submissions (2):

Labcorp Genetics (formerly Invitae), Labcorp
Classification: Likely pathogenic. Last evaluated: 2022-06-07. Review status: criteria provided, single submitter. Criteria: Invitae Variant Classification Sherloc (09022015). Collection method: clinical testing. Allele origin: germline.
Comment: This premature translational stop signal has been observed in individual(s) with progressive external ophthalmoplegia with mitochondrial DNA deletions (PMID: 26094573, 28508084). In at least one individual the data is consistent with being in trans (on the opposite chromosome) from a pathogenic variant. This variant is present in population databases (rs373442996, gnomAD 0.007%). This sequence change creates a premature translational stop signal (p.Arg157*) in the RNASEH1 gene. It is expected to result in an absent or disrupted protein product. However, the current clinical and genetic evidence is not sufficient to establish whether loss-of-function variants in RNASEH1 cause disease. ClinVar contains an entry for this variant (Variation ID: 372198). In summary, the currently available evidence indicates that the variant is pathogenic, but additional data are needed to prove that conclusively. Therefore, this variant has been classified as Likely Pathogenic. Studies have shown that this premature translational stop signal alters RNASEH1 gene expression (PMID: 26094573).

OMIM
Classification: Pathogenic for PROGRESSIVE EXTERNAL OPHTHALMOPLEGIA WITH MITOCHONDRIAL DNA DELETIONS, AUTOSOMAL RECESSIVE 2. Last evaluated: 2015-07-29. Review status: no assertion criteria provided. Collection method: literature only. Allele origin: germline. Not counted in ClinVar's aggregate classification.

Literature cited by the submitters: PubMed 26094573 (cited by Labcorp Genetics (formerly Invitae), Labcorp and OMIM); PubMed 28508084 (cited by Labcorp Genetics (formerly Invitae), Labcorp).